The following is an entry in ClinVar:

ClinVar aggregate classification (germline): Likely benign (0 of 4 stars; one submission).

Conditions:
CCNF-related disorder. Also called: CCNF-related condition.

Allele frequency attached by ClinVar (database versions not stated): gnomAD 0.00007; TOPMed 0.00008; ExAC 0.00014; 1000 Genomes Project 30x 0.00016; 1000 Genomes Project 0.00020.
gnomAD v4.1: 126 of 1,613,142 alleles (0.0078%); highest among the groups gnomAD compares: East Asian, 0.054%; 1 homozygote.

Submission:

PreventionGenetics, part of Exact Sciences
Classification: Likely benign for CCNF-related condition. Last evaluated: 2019-07-30. Review status: no assertion criteria provided. Collection method: clinical testing. Allele origin: germline.
Comment: This variant is classified as likely benign based on ACMG/AMP sequence variant interpretation guidelines (Richards et al. 2015 PMID: 25741868, with internal and published modifications).

NM_001761.3(CCNF):c.435C>T (p.Ala145=)

Gene: CCNF (cyclin F; plus strand). Cytogenetic location: 16p13.3.
Variant type: single nucleotide variant.
Coding change: c.435C>T on transcript NM_001761.3 (MANE Select); coding-DNA position 435, C replaced by T.
Protein change: p.Ala145=; no amino-acid change (alanine 145 retained).
Molecular consequence: synonymous variant. On other transcripts: 5 prime UTR variant (1).
Genome position (GRCh38, 1-based): chr16:2,437,217, C>T. VCF-style: chr16-2437217-C-T. GRCh37 (hg19) VCF-style: chr16-2487218-C-T.
Other names: c.-490C>T (NM_001323538.2).
Identifiers: ClinVar variation 3034783 (VCV003034783.2), dbSNP rs200978756, ClinGen allele CA7842076.